The following is an entry in ClinVar:

NM_001321967.2(ATAD1):c.388C>G (p.Leu130Val)

Gene: ATAD1 (ATPase family AAA domain containing 1; minus strand). Cytogenetic location: 10q23.31.
Variant type: single nucleotide variant.
Coding change: c.388C>G on transcript NM_001321967.2 (MANE Select); coding-DNA position 388, C replaced by G.
Protein change: p.Leu130Val; replaces leucine 130 with valine.
Molecular consequence: missense variant. On other transcripts: non-coding transcript variant (1).
Genome position (GRCh38, 1-based): chr10:87,784,665, G>C on the plus strand (C>G on the coding strand, the complement: ATAD1 is on the minus strand). VCF-style: chr10-87784665-G-C. GRCh37 (hg19) VCF-style: chr10-89544422-G-C.
Other names: c.388C>G, p.Leu130Val (NM_001321968.2, NM_032810.4); c.31C>G, p.Leu11Val (NM_001321969.2); short protein forms L11V, L130V.
Identifiers: ClinVar variation 1915730 (VCV001915730.3), dbSNP rs1855739950, ClinGen allele CA377491444.

ClinVar aggregate classification (germline): Uncertain significance (1 of 4 stars; one submission).

gnomAD v4.1: 1 of 1,612,020 alleles (0.000062%); highest among the groups gnomAD compares: Non-Finnish European, 0.000085%; no homozygotes.

Submission:

Labcorp Genetics (formerly Invitae), Labcorp
Classification: Uncertain significance. Last evaluated: 2022-01-12. Review status: criteria provided, single submitter. Criteria: Invitae Variant Classification Sherloc (09022015). Collection method: clinical testing. Allele origin: germline.
Comment: In summary, the available evidence is currently insufficient to determine the role of this variant in disease. Therefore, it has been classified as a Variant of Uncertain Significance. Algorithms developed to predict the effect of missense changes on protein structure and function are either unavailable or do not agree on the potential impact of this missense change (SIFT: "Not Available"; PolyPhen-2: "Probably Damaging"; Align-GVGD: "Not Available"). This variant has not been reported in the literature in individuals affected with ATAD1-related conditions. This variant is not present in population databases (gnomAD no frequency). This sequence change replaces leucine, which is neutral and non-polar, with valine, which is neutral and non-polar, at codon 130 of the ATAD1 protein (p.Leu130Val).